The following is an entry in ClinVar:

NM_014795.4(ZEB2):c.1678C>T (p.Arg560Cys)

Gene: ZEB2 (zinc finger E-box binding homeobox 2; minus strand). Cytogenetic location: 2q22.3.
Variant type: single nucleotide variant.
Coding change: c.1678C>T on transcript NM_014795.4 (MANE Select); coding-DNA position 1678, C replaced by T.
Protein change: p.Arg560Cys; replaces arginine 560 with cysteine.
Molecular consequence: missense variant.
Genome position (GRCh38, 1-based): chr2:144,399,509, G>A on the plus strand (C>T on the coding strand, the complement: ZEB2 is on the minus strand). VCF-style: chr2-144399509-G-A. GRCh37 (hg19) VCF-style: chr2-145157076-G-A.
Other names: p.R560C:CGT>TGT; c.1606C>T, p.Arg536Cys (NM_001171653.2); short protein forms R560C, R536C.
Identifiers: ClinVar variation 181733 (VCV000181733.11), dbSNP rs730881194, ClinGen allele CA297597.

ClinVar aggregate classification (germline): Likely benign. Review status: criteria provided, multiple submitters, no conflicts (2 of 4 stars). 3 submissions from 3 submitters: Likely benign (3). Last evaluated 2024-10-30.

Conditions:
Mowat-Wilson syndrome (MOWS). Also called: Classic Mowat-Wilson Syndrome. Identifiers: Orphanet 2152, MedGen C1856113, MONDO:0009341, OMIM 235730.

Allele frequency attached by ClinVar (database versions not stated): gnomAD exomes 0.00003 and 0.00004; gnomAD 0.00005; ExAC 0.00007; TOPMed 0.00008.
gnomAD v4.1: 49 of 1,614,052 alleles (0.003%); highest among the groups gnomAD compares: Middle Eastern, 0.033%; no homozygotes.

Submissions (3):

Labcorp Genetics (formerly Invitae), Labcorp
Classification: Likely benign for Mowat-Wilson syndrome. Last evaluated: 2024-10-30. Review status: criteria provided, single submitter. Criteria: Invitae Variant Classification Sherloc (09022015). Collection method: clinical testing. Allele origin: germline.

Blueprint Genetics
Classification: Likely benign. Last evaluated: 2024-02-15. Review status: criteria provided, single submitter. Criteria: ACMG Guidelines, 2015. Collection method: clinical testing. Allele origin: germline.

GeneDx
Classification: Likely benign. Last evaluated: 2015-06-08. Review status: criteria provided, single submitter. Criteria: GeneDx Variant Classification (06012015). Collection method: clinical testing. Allele origin: germline. Affected: yes.
Comment: This variant is considered likely benign or benign based on one or more of the following criteria: it is a conservative change, it occurs at a poorly conserved position in the protein, it is predicted to be benign by multiple in silico algorithms, and/or has population frequency not consistent with disease.